The following is an entry in ClinVar:

ClinVar aggregate classification (germline): Pathogenic. Review status: criteria provided, multiple submitters, no conflicts (2 of 4 stars). 2 submissions from 2 submitters: Pathogenic (2). Last evaluated 2017-12-01.

Conditions:
Hereditary leiomyomatosis and renal cell cancer. Also called: LEIOMYOMA, MULTIPLE CUTANEOUS; MULTIPLE CUTANEOUS AND UTERINE LEIOMYOMATA 1, WITH OR WITHOUT RENAL CELL CARCINOMA; Reed syndrome; Multiple cutaneous and uterine leiomyomatosis; Cutaneous leiomyomata with uterine leiomyomata; Leiomyoma, hereditary multiple, of skin. Identifiers: Orphanet 523, MedGen C1708350, MONDO:0007888, OMIM 150800, HP:0007437. Disease mechanism: loss of function.

Submissions (2):

GeneDx
Classification: Pathogenic. Last evaluated: 2017-12-01. Review status: criteria provided, single submitter. Criteria: GeneDx Variant Classification (06012015). Collection method: clinical testing. Allele origin: germline. Affected: yes.
Comment: This duplication of one nucleotide in FH is denoted c.439dupA at the cDNA level and p.Thr147AsnfsX9 (T147NfsX9) at the protein level. The normal sequence, with the base that is duplicated in brackets, is AGGA[dupA]CTCA. The duplication causes a frameshift which changes a Threonine to an Asparagine at codon 147, and creates a premature stop codon at position 9 of the new reading frame. Although this variant has not, to our knowledge, been reported in the literature, it is predicted to cause loss of normal protein function through either protein truncation or nonsense-mediated mRNA decay. We consider this variant to be pathogenic.

Genomic Diagnostic Laboratory, Division of Genomic Diagnostics, Children's Hospital of Philadelphia
Classification: Pathogenic for Hereditary leiomyomatosis and renal cell cancer. Last evaluated: 2017-01-17. Review status: criteria provided, single submitter. Criteria: DGD Variant Analysis Guidelines. Collection method: clinical testing. Allele origin: germline. Affected: yes. Observed: 3 variant alleles.
Comment: Clinical Testing

NM_000143.4(FH):c.439dup (p.Thr147fs)

Gene: FH (fumarate hydratase; minus strand). Cytogenetic location: 1q43.
Variant type: Duplication.
Coding change: c.439dup on transcript NM_000143.4 (MANE Select); coding-DNA position 439, one base duplicated (A; older notation c.439dupA).
Protein change: p.Thr147fs; shifts the reading frame from threonine 147.
Molecular consequence: frameshift variant.
Genome position (GRCh38, 1-based): chr1:241,512,083, T duplicated on the plus strand (A on the coding strand, the reverse complement: FH is on the minus strand); the first of 2 consecutive T bases (chr1:241,512,083-241,512,084); duplicating either gives the same sequence. VCF-style (leftmost placement, unchanged base first): chr1-241512082-G-GT. GRCh37 (hg19) VCF-style: chr1-241675382-G-GT.
Other names: c.439dupA (NM_000143.3); short protein forms T147fs.
Identifiers: ClinVar variation 393563 (VCV000393563.2), dbSNP rs1060499633, ClinGen allele CA16609374.